The following is an entry in ClinVar:

NM_000494.4(COL17A1):c.606G>C (p.Ser202=)

Gene: COL17A1 (collagen type XVII alpha 1 chain; minus strand). Cytogenetic location: 10q25.1.
Variant type: single nucleotide variant.
Coding change: c.606G>C on transcript NM_000494.4 (MANE Select); coding-DNA position 606, G replaced by C.
Protein change: p.Ser202=; no amino-acid change (serine 202 retained).
Molecular consequence: synonymous variant.
Genome position (GRCh38, 1-based): chr10:104,070,427, C>G on the plus strand (G>C on the coding strand, the complement: COL17A1 is on the minus strand). VCF-style: chr10-104070427-C-G. GRCh37 (hg19) VCF-style: chr10-105830185-C-G.
Other names: c.606G>C, p.Ser202= (LRG_1249t1).
Identifiers: ClinVar variation 298747 (VCV000298747.16), dbSNP rs17116450, ClinGen allele CA5679372.

ClinVar aggregate classification (germline): Benign. Review status: criteria provided, multiple submitters, no conflicts (2 of 4 stars). 4 submissions from 4 submitters: Benign (4). Last evaluated 2026-01-28.

Conditions:
Junctional epidermolysis bullosa, non-Herlitz type. Also called: EPIDERMOLYSIS BULLOSA JUNCTIONALIS, DISENTIS TYPE; EPIDERMOLYSIS BULLOSA JUNCTIONALIS, NON-HERLITZ TYPE; EPIDERMOLYSIS BULLOSA JUNCTIONALIS, PROGRESSIVE; EPIDERMOLYSIS BULLOSA JUNCTIONALIS, SEVERE NONLETHAL; Adult junctional epidermolysis bullosa; Epidermolysis bullosa, junctional, non-herlitz type, somatic mosaic revertant. Identifiers: Orphanet 251393, Orphanet 79402, Orphanet 79405, Orphanet 89840, MedGen C0268374, MONDO:0009180, OMIM 226650.

Allele frequency attached by ClinVar (database versions not stated): 1000 Genomes Project 0.01478; 1000 Genomes Project 30x 0.01796; TOPMed 0.01803; ESP Exome Variant Server 0.01915.
gnomAD v4.1: 4,750 of 1,613,364 alleles (0.29%); highest among the groups gnomAD compares: African/African-American, 5.7%; 133 homozygotes.

Submissions (4):

Labcorp Genetics (formerly Invitae), Labcorp
Classification: Benign. Last evaluated: 2026-01-28. Review status: criteria provided, single submitter. Criteria: Invitae Variant Classification Sherloc (09022015). Collection method: clinical testing. Allele origin: germline.

GeneDx
Classification: Benign. Last evaluated: 2021-05-04. Review status: criteria provided, single submitter. Criteria: GeneDx Variant Classification Process June 2021. Collection method: clinical testing. Allele origin: germline. Affected: yes.

Illumina Laboratory Services, Illumina
Classification: Benign for Junctional epidermolysis bullosa, non-Herlitz type. Last evaluated: 2018-01-13. Review status: criteria provided, single submitter. Criteria: ICSL Variant Classification Criteria 13 December 2019. Collection method: clinical testing. Allele origin: germline.
Comment: This variant was observed in the ICSL laboratory as part of a predisposition screen in an ostensibly healthy population. It had not been previously curated by ICSL or reported in the Human Gene Mutation Database (HGMD: prior to June 1st, 2018), and was therefore a candidate for classification through an automated scoring system. Utilizing variant allele frequency, disease prevalence and penetrance estimates, and inheritance mode, an automated score was calculated to assess if this variant is too frequent to cause the disease. Based on the score and internal cut-off values, a variant classified as benign is not then subjected to further curation. The score for this variant resulted in a classification of benign for this disease.

Breakthrough Genomics
Classification: Benign. Review status: criteria provided, single submitter. Criteria: ACMG Guidelines, 2015. Collection method: not provided. Allele origin: germline. Inheritance: Autosomal recessive inheritance. Affected: yes.